The following is an entry in ClinVar:

ClinVar aggregate classification (germline): Conflicting classifications of pathogenicity. Review status: criteria provided, conflicting classifications (1 of 4 stars). 3 submissions from 3 submitters: Uncertain significance (2); Likely benign (1). Last evaluated 2025-09-03.

Conditions:
Cardiovascular phenotype. Identifiers: MedGen CN230736.
Cardiac arrhythmia, ankyrin-B-related. Also called: ANKYRIN-B SYNDROME. Identifiers: Orphanet 101016, Orphanet 768, MedGen C1970119, MONDO:0010958, OMIM 600919.
Long QT syndrome (LQTS). Identifiers: MedGen C0023976, MeSH D008133, MONDO:0002442. Disease mechanism: loss of function. Inheritance: Various modes of inheritance.

Allele frequency attached by ClinVar (database versions not stated): ExAC 0.00001; gnomAD 0.00001; gnomAD exomes 0.00001 and 0.00002.
gnomAD v4.1: 30 of 1,614,052 alleles (0.0019%); highest among the groups gnomAD compares: Non-Finnish European, 0.0024%; no homozygotes.

Submissions (3):

Ambry Genetics
Classification: Likely benign for Cardiovascular phenotype. Last evaluated: 2025-09-03. Review status: criteria provided, single submitter. Criteria: Ambry Variant Classification Scheme 2023. Collection method: clinical testing. Allele origin: germline.

Labcorp Genetics (formerly Invitae), Labcorp
Classification: Uncertain significance for Long QT syndrome. Last evaluated: 2024-08-21. Review status: criteria provided, single submitter. Criteria: Invitae Variant Classification Sherloc (09022015). Collection method: clinical testing. Allele origin: germline.
Comment: This sequence change replaces histidine, which is basic and polar, with arginine, which is basic and polar, at codon 2361 of the ANK2 protein (p.His2361Arg). This variant is present in population databases (rs745718831, gnomAD 0.004%). This variant has not been reported in the literature in individuals affected with ANK2-related conditions. ClinVar contains an entry for this variant (Variation ID: 1416687). An algorithm developed to predict the effect of missense changes on protein structure and function (PolyPhen-2) suggests that this variant is likely to be tolerated. In summary, the available evidence is currently insufficient to determine the role of this variant in disease. Therefore, it has been classified as a Variant of Uncertain Significance.

Fulgent Genetics
Classification: Uncertain significance for Cardiac arrhythmia, ankyrin-B-related. Last evaluated: 2021-11-12. Review status: criteria provided, single submitter. Criteria: ACMG Guidelines, 2015. Collection method: clinical testing. Allele origin: unknown.

NM_001148.6(ANK2):c.7082A>G (p.His2361Arg)

Genes: ANK2 (ankyrin 2; plus strand), LOC126807137 (CDK7 strongly-dependent group 2 enhancer GRCh37_chr4:114276560-114277759; plus strand). Cytogenetic location: 4q26.
Variant type: single nucleotide variant.
Coding change: c.7082A>G on transcript NM_001148.6 (MANE Select); coding-DNA position 7082, A replaced by G.
Protein change: p.His2361Arg; replaces histidine 2361 with arginine.
Molecular consequence: missense variant. On other transcripts: intron variant (68).
Genome position (GRCh38, 1-based): chr4:113,355,700, A>G. VCF-style: chr4-113355700-A-G. GRCh37 (hg19) VCF-style: chr4-114276856-A-G.
Other names: c.6848A>G, p.His2283Arg (NM_001386142.1); c.3482A>G, p.His1161Arg (NM_001386166.1); c.7223A>G, p.His2408Arg (NM_001386174.1); c.7199A>G, p.His2400Arg (NM_001386175.1); c.4412-5123A>G (NM_001386186.2, NM_001386148.2); c.4214-5123A>G (NM_001354269.3); c.4292-5123A>G (NM_001386187.2); c.4253-5123A>G (NM_001386147.1); and 35 more; short protein forms H2283R, H2361R, H2408R, H2400R, H1161R.
Identifiers: ClinVar variation 1416687 (VCV001416687.12), dbSNP rs745718831, ClinGen allele CA3051527.